The following is an entry in ClinVar:

NM_018344.6(SLC29A3):c.-18_-3del

Genes: SLC29A3 (solute carrier family 29 member 3; plus strand), LOC130004025 (ATAC-STARR-seq lymphoblastoid silent region 2461; plus strand). Cytogenetic location: 10q22.1.
Variant type: Deletion.
Coding change: c.-18_-3del on transcript NM_018344.6 (MANE Select); 18 bases upstream of the start codon through 3 bases upstream of the start codon, 16 bases deleted (GCGTGGCGCAGCGGCG).
Molecular consequence: 5 prime UTR variant. On other transcripts: non-coding transcript variant (2).
Genome position (GRCh38, 1-based): chr10:71,319,292-71,319,307, GCGTGGCGCAGCGGCG deleted; deleting any 16 consecutive bases within chr10:71,319,283-71,319,307 gives the same sequence; the c. name uses the placement nearest the transcript's 3' end. VCF-style (leftmost placement, unchanged base first): chr10-71319282-GGCAGCGGCGGCGTGGC-G. GRCh37 (hg19) VCF-style: chr10-73079039-GGCAGCGGCGGCGTGGC-G.
Other names: c.-18_-3del16 (NM_018344.5); c.-18_-3del (NM_001174098.2); c.-673_-658del (NM_001363518.2).
Identifiers: ClinVar variation 4907764 (VCV004907764.2).

ClinVar aggregate classification (germline): Conflicting classifications of pathogenicity. Review status: criteria provided, conflicting classifications (1 of 4 stars). 2 submissions from 2 submitters: Uncertain significance (1); Likely benign (1). Last evaluated 2026-07-06.

Conditions:
SLC29A3-related disorder. Also called: SLC29A3-related condition.

Submissions (2):

PreventionGenetics, part of Exact Sciences
Classification: Likely benign for SLC29A3-related condition. Last evaluated: 2026-07-06. Review status: criteria provided, single submitter. Criteria: ACMG Guidelines, 2015. Collection method: clinical testing. Allele origin: germline.
Comment: This variant is classified as likely benign based on ACMG/AMP sequence variant interpretation guidelines (Richards et al. 2015 PMID: 25741868, with internal and published modifications).

Blueprint Genetics
Classification: Uncertain significance. Last evaluated: 2021-04-19. Review status: criteria provided, single submitter. Criteria: ACMG Guidelines, 2015. Collection method: clinical testing. Allele origin: germline.